The following is an entry in ClinVar:

ClinVar aggregate classification (germline): Uncertain significance (1 of 4 stars; one submission).

Conditions:
Nemaline myopathy 6 (NEM6). Also called: Nemaline myopathy 6, autosomal dominant. Identifiers: Orphanet 171439, MedGen C1836472, MONDO:0012237, OMIM 609273.

Allele frequency attached by ClinVar (database versions not stated): TOPMed 0.00001; gnomAD exomes below 0.00001 and 0.00001.

Submission:

Labcorp Genetics (formerly Invitae), Labcorp
Classification: Uncertain significance for Nemaline myopathy 6. Last evaluated: 2018-12-05. Review status: criteria provided, single submitter. Criteria: Invitae Variant Classification Sherloc (09022015). Collection method: clinical testing. Allele origin: germline.
Comment: In summary, the available evidence is currently insufficient to determine the role of this variant in disease. Therefore, it has been classified as a Variant of Uncertain Significance. Algorithms developed to predict the effect of missense changes on protein structure and function are either unavailable or do not agree on the potential impact of this missense change (SIFT: "Deleterious"; PolyPhen-2: "Probably Damaging"; Align-GVGD: "Class C0"). This variant has not been reported in the literature in individuals with KBTBD13-related conditions. This variant is not present in population databases (ExAC no frequency). This sequence change replaces arginine with tryptophan at codon 432 of the KBTBD13 protein (p.Arg432Trp). The arginine residue is moderately conserved and there is a moderate physicochemical difference between arginine and tryptophan.

NM_001101362.3(KBTBD13):c.1294C>T (p.Arg432Trp)

Gene: KBTBD13 (kelch repeat and BTB domain containing 13; plus strand). Cytogenetic location: 15q22.31.
Variant type: single nucleotide variant.
Coding change: c.1294C>T on transcript NM_001101362.3 (MANE Select); coding-DNA position 1294, C replaced by T.
Protein change: p.Arg432Trp; replaces arginine 432 with tryptophan.
Molecular consequence: missense variant.
Genome position (GRCh38, 1-based): chr15:65,078,109, C>T. VCF-style: chr15-65078109-C-T. GRCh37 (hg19) VCF-style: chr15-65370447-C-T.
Other names: short protein forms R432W.
Identifiers: ClinVar variation 662656 (VCV000662656.8), dbSNP rs1376646798, ClinGen allele CA392867069.
Genomic context (GRCh38, chr15:65,078,109, plus strand): 5'-CTGCTCTACGCCATCGAGGGCGGCACCTGGCGGCTGCTCAGGGAGAAAGCCGGCTTCCCG[C>T]GGCCCGGCTCCTTGCAGACCTTTCTCCTAAGGCTGCCTCCTGGCGCTCCTGGGCCTGTGA-3'
Protein context (NP_001094832.1, residues 422-442): RLLREKAGFP[Arg432Trp]PGSLQTFLLR